The following is an entry in ClinVar:

NM_000138.5(FBN1):c.3424_3427dup (p.Gly1143fs)

Gene: FBN1 (fibrillin 1; minus strand). Cytogenetic location: 15q21.1.
Variant type: Duplication.
Coding change: c.3424_3427dup on transcript NM_000138.5 (MANE Select); coding-DNA positions 3424 to 3427, 4 bases duplicated (CCTG; older notation c.3424_3427dupCCTG).
Protein change: p.Gly1143fs; shifts the reading frame from glycine 1143.
Molecular consequence: frameshift variant.
Genome position (GRCh38, 1-based): chr15:48,487,348-48,487,351, CAGG duplicated on the plus strand (CCTG on the coding strand, the reverse complement: FBN1 is on the minus strand); duplicating any 4 consecutive bases within chr15:48,487,348-48,487,352 gives the same sequence; the c. name uses the placement nearest the transcript's 3' end. VCF-style (leftmost placement, unchanged base first): chr15-48487347-C-CCAGG. GRCh37 (hg19) VCF-style: chr15-48779544-C-CCAGG.
Other names: c.3424_3427dupCCTG (NM_000138.4); short protein forms G1143fs.
Identifiers: ClinVar variation 200158 (VCV000200158.1), dbSNP rs794728306, ClinGen allele CA304347.

ClinVar aggregate classification (germline): Pathogenic (1 of 4 stars; one submission).

Conditions:
Familial thoracic aortic aneurysm and aortic dissection (TAAD). Also called: Thoracic aortic aneurysms and dissections. Identifiers: Orphanet 91387, MedGen C4707243, MONDO:0019625.

Submission:

GeneDx
Classification: Pathogenic for Thoracic aortic aneurysms and aortic dissections. Last evaluated: 2014-08-22. Review status: criteria provided, single submitter. Criteria: GeneDx Variant Classification (06012015). Collection method: clinical testing. Allele origin: germline. Affected: yes.
Comment: c.3424_3427dupCCTG: p.Gly1143AlafsX17 (G1143AfsX17) in exon 28 of the FBN1 gene (NM_000138.4). The normal sequence with the bases that are inserted in braces is: CCTG{CCTG}GCCA. Although the c.3424_3427dupCCTG mutation in the FBN1 gene has not been reported to our knowledge, this mutation causes a shift in reading frame starting at codon Glycine 1143, changing it to an Alanine, and creating a premature stop codon at position 17 of the new reading frame, denoted p.Gly1143AlafsX17. This mutation is expected to result in either an abnormal, truncated protein product or loss of protein from this allele through nonsense-mediated mRNA decay. Other frameshift mutations in the FBN1 gene have been reported in association with Marfan syndrome. In summary, c.3424_3427dupCCTG in the FBN1 gene is interpreted as a disease-causing mutation. The variant is found in TAAD panel(s).